The following is an entry in ClinVar:

NM_000548.5(TSC2):c.3111C>T (p.Asn1037=)

Gene: TSC2 (TSC complex subunit 2; plus strand). Cytogenetic location: 16p13.3.
Variant type: single nucleotide variant.
Coding change: c.3111C>T on transcript NM_000548.5 (MANE Select); coding-DNA position 3111, C replaced by T.
Protein change: p.Asn1037=; no amino-acid change (asparagine 1037 retained).
Molecular consequence: synonymous variant.
Genome position (GRCh38, 1-based): chr16:2,079,176, C>T. VCF-style: chr16-2079176-C-T. GRCh37 (hg19) VCF-style: chr16-2129177-C-T.
Other names: c.2979C>T, p.Asn993= (NM_001077183.3, NM_001370404.1); c.3111C>T, p.Asn1037= (NM_001114382.3); c.2871C>T, p.Asn957= (NM_001318827.2); c.2835C>T, p.Asn945= (NM_001318829.2); c.2379C>T, p.Asn793= (NM_001318831.2); c.3012C>T, p.Asn1004= (NM_001318832.2); c.2982C>T, p.Asn994= (NM_001363528.2, NM_001370405.1, NM_021055.3).
Identifiers: ClinVar variation 1086843 (VCV001086843.20), dbSNP rs1222753588, ClinGen allele CA493042779.

ClinVar aggregate classification (germline): Benign/Likely benign. Review status: criteria provided, multiple submitters, no conflicts (2 of 4 stars). 4 submissions from 4 submitters: Benign (1); Likely benign (3). Last evaluated 2025-08-20.

Conditions:
Tuberous sclerosis 2 (TSC2). Identifiers: Orphanet 805, MedGen C1860707, MONDO:0013199, OMIM 613254.
Hereditary cancer-predisposing syndrome. Also called: Neoplastic Syndromes, Hereditary; Tumor predisposition; Hereditary neoplastic syndrome; Hereditary Cancer Syndrome. Identifiers: Orphanet 140162, MedGen C0027672, MeSH D009386, MONDO:0015356.

Allele frequency attached by ClinVar (database versions not stated): gnomAD exomes below 0.00001.
gnomAD v4.1: 1 of 1,612,978 alleles (0.000062%); highest among the groups gnomAD compares: Non-Finnish European, 0.000085%; no homozygotes.

Submissions (4):

Labcorp Genetics (formerly Invitae), Labcorp
Classification: Likely benign for Tuberous sclerosis 2. Last evaluated: 2025-08-20. Review status: criteria provided, single submitter. Criteria: Invitae Variant Classification Sherloc (09022015). Collection method: clinical testing. Allele origin: germline.

CeGaT Center for Human Genetics Tuebingen
Classification: Likely benign. Last evaluated: 2025-08-01. Review status: criteria provided, single submitter. Criteria: CeGaT Center For Human Genetics Tuebingen Variant Classification Criteria Version 2. Collection method: clinical testing. Allele origin: germline. Affected: yes. Observed: 2 variant alleles.
Comment: TSC2: BP4, BP7

Myriad Genetics, Inc.
Classification: Benign for Tuberous sclerosis 2. Last evaluated: 2025-05-27. Review status: criteria provided, single submitter. Criteria: Myriad Autosomal Dominant, Autosomal Recessive and X-Linked Classification Criteria (2023). Collection method: clinical testing. Allele origin: unknown.
Comment: This variant is considered benign. This variant is a silent/synonymous amino acid change and it is not expected to impact splicing.

Ambry Genetics
Classification: Likely benign for Hereditary cancer-predisposing syndrome. Last evaluated: 2019-05-23. Review status: criteria provided, single submitter. Criteria: Ambry Variant Classification Scheme 2023. Collection method: clinical testing. Allele origin: germline.